The following is an entry in ClinVar:

ClinVar aggregate classification (germline): Pathogenic/Likely pathogenic. Review status: criteria provided, multiple submitters, no conflicts (2 of 4 stars). 5 submissions from 5 submitters: Pathogenic (3); Likely pathogenic (1). 1 of the submissions does not count toward it. Last evaluated 2025-10-29.

Conditions:
SATB2-related disorder. Also called: SATB2-related condition.
Chromosome 2q32-q33 deletion syndrome (GLASS). Also called: Glass syndrome; 2q33.1 deletion syndrome. Identifiers: Orphanet 251019, MedGen C2676739, MONDO:0012864, OMIM 612313.

Submissions (5):

Victorian Clinical Genetics Services, Murdoch Childrens Research Institute
Classification: Pathogenic for Chromosome 2q32-q33 deletion syndrome. Last evaluated: 2025-10-29. Review status: criteria provided, single submitter. Criteria: ACMG Guidelines, 2015. Collection method: clinical testing. Allele origin: germline. Affected: yes.
Comment: This variant is classified as Pathogenic. Evidence in support of pathogenic classification: Variant is absent from gnomAD (v2, v3 and v4); This variant has strong previous evidence of pathogenicity in unrelated individuals. This variant has been classified twice as pathogenic by clinical diagnostic laboratories (ClinVar). Additionally, it has been reported as de novo in two affected individuals. Additional information: Variant is predicted to result in a missense amino acid change from Glu to Lys; This variant is heterozygous; This gene is associated with autosomal dominant disease; No comparable missense variants have previous evidence for pathogenicity; Variant is not located in an established domain, motif, hotspot or informative constraint region; Missense variant with inconclusive in silico prediction and/or uninformative conservation; Loss of function is a known mechanism of disease in this gene and is associated with glass syndrome (MIM#612313).

Labcorp Genetics (formerly Invitae), Labcorp
Classification: Pathogenic for Chromosome 2q32-q33 deletion syndrome. Last evaluated: 2025-10-20. Review status: criteria provided, single submitter. Criteria: Invitae Variant Classification Sherloc (09022015). Collection method: clinical testing. Allele origin: germline.
Comment: This sequence change replaces glutamic acid, which is acidic and polar, with lysine, which is basic and polar, at codon 566 of the SATB2 protein (p.Glu566Lys). This variant is not present in population databases (gnomAD no frequency). This missense change has been observed in individual(s) with clinical features of SATB2-related conditions (PMID: 28151491, 35241104). In at least one individual the variant was observed to be de novo. ClinVar contains an entry for this variant (Variation ID: 422062). Invitae Evidence Modeling incorporating data from in vitro experimental studies (internal data) indicates that this missense variant is not expected to disrupt SATB2 function with a negative predictive value of 95%. Experimental studies have shown that this missense change affects SATB2 function (PMID: 28151491). For these reasons, this variant has been classified as Pathogenic.

GeneDx
Classification: Pathogenic. Last evaluated: 2025-08-22. Review status: criteria provided, single submitter. Criteria: GeneDx Variant Classification Process June 2021. Collection method: clinical testing. Allele origin: germline. Affected: yes.
Comment: Published functional studies suggest this variant impairs interaction with chromatin, however additional studies are needed to validate the functional effect of this variant in vivo (PMID: 28151491); In silico analysis suggests that this missense variant does not alter protein structure/function; Not observed at significant frequency in large population cohorts (gnomAD); This variant is associated with the following publications: (PMID: 28151491, 33057194, 35982159, 35241104, denHoed2025[preprint])

Blueprint Genetics
Classification: Likely pathogenic for SATB2-related disorders. Last evaluated: 2024-10-08. Review status: criteria provided, single submitter. Criteria: ACMG Guidelines, 2015. Collection method: clinical testing. Allele origin: germline. Affected: yes. Observed: 1 variant allele.

OMIM
Classification: Pathogenic for GLASS SYNDROME. Last evaluated: 2018-06-15. Review status: no assertion criteria provided. Collection method: literature only. Allele origin: germline. Not counted in ClinVar's aggregate classification.

Literature cited by the submitters: PubMed 35241104 (cited by Victorian Clinical Genetics Services, Murdoch Childrens Research Institute and Labcorp Genetics (formerly Invitae), Labcorp); PubMed 28151491 (cited by 3 submitters); Hamosh, A. Personal Communication. 2018. Baltimore, Md. (cited by OMIM).

NM_001172509.2(SATB2):c.1696G>A (p.Glu566Lys)

Gene: SATB2 (SATB homeobox 2; minus strand). Cytogenetic location: 2q33.1.
Variant type: single nucleotide variant.
Coding change: c.1696G>A on transcript NM_001172509.2 (MANE Select); coding-DNA position 1696, G replaced by A.
Protein change: p.Glu566Lys; replaces glutamic acid 566 with lysine.
Molecular consequence: missense variant.
Genome position (GRCh38, 1-based): chr2:199,308,804, C>T on the plus strand (G>A on the coding strand, the complement: SATB2 is on the minus strand). VCF-style: chr2-199308804-C-T. GRCh37 (hg19) VCF-style: chr2-200173527-C-T.
Other names: c.1696G>A, p.Glu566Lys (NM_001172517.1, NM_015265.4); short protein forms E566K.
Identifiers: ClinVar variation 422062 (VCV000422062.11), dbSNP rs1064795530, ClinGen allele CA16617409.